The following is an entry in ClinVar:

ClinVar aggregate classification (germline): Benign (1 of 4 stars; one submission).

Conditions:
White sponge nevus 1. Also called: LEUKOKERATOSIS, HEREDITARY MUCOSAL. Identifiers: MedGen C4011926, MONDO:0008676, OMIM 193900.

Allele frequency attached by ClinVar (database versions not stated): 1000 Genomes Project 30x 0.00078; 1000 Genomes Project 0.00100; TOPMed 0.00189; ESP Exome Variant Server 0.00284; ExAC 0.00289; gnomAD exomes 0.00292; gnomAD 0.00376.
gnomAD v4.1: 5,193 of 1,614,216 alleles (0.32%); highest among the groups gnomAD compares: Non-Finnish European, 0.35%; 18 homozygotes.

Submission:

Illumina Laboratory Services, Illumina
Classification: Benign for White sponge nevus 1. Last evaluated: 2018-01-13. Review status: criteria provided, single submitter. Criteria: ICSL Variant Classification Criteria 13 December 2019. Collection method: clinical testing. Allele origin: germline.
Comment: This variant was observed in the ICSL laboratory as part of a predisposition screen in an ostensibly healthy population. It had not been previously curated by ICSL or reported in the Human Gene Mutation Database (HGMD: prior to June 1st, 2018), and was therefore a candidate for classification through an automated scoring system. Utilizing variant allele frequency, disease prevalence and penetrance estimates, and inheritance mode, an automated score was calculated to assess if this variant is too frequent to cause the disease. Based on the score and internal cut-off values, a variant classified as benign is not then subjected to further curation. The score for this variant resulted in a classification of benign for this disease.

NM_002272.4(KRT4):c.870G>A (p.Thr290=)

Gene: KRT4 (keratin 4; minus strand). Cytogenetic location: 12q13.13.
Variant type: single nucleotide variant.
Coding change: c.870G>A on transcript NM_002272.4 (MANE Select); coding-DNA position 870, G replaced by A.
Protein change: p.Thr290=; no amino-acid change (threonine 290 retained).
Molecular consequence: synonymous variant.
Genome position (GRCh38, 1-based): chr12:52,808,815, C>T on the plus strand (G>A on the coding strand, the complement: KRT4 is on the minus strand). VCF-style: chr12-52808815-C-T. GRCh37 (hg19) VCF-style: chr12-53202599-C-T.
Identifiers: ClinVar variation 309680 (VCV000309680.5), dbSNP rs189596654, ClinGen allele CA6588565.